The following is an entry in ClinVar:

ClinVar aggregate classification (germline): Uncertain significance. Review status: criteria provided, multiple submitters, no conflicts (2 of 4 stars). 6 submissions from 6 submitters: Uncertain significance (5). 1 of the submissions does not count toward it. Last evaluated 2025-11-06.

Conditions:
Hereditary nonpolyposis colorectal neoplasms. Identifiers: MedGen C0009405, MeSH D003123.
Hereditary cancer-predisposing syndrome. Also called: Tumor predisposition; Hereditary Cancer Syndrome; Hereditary neoplastic syndrome; Neoplastic Syndromes, Hereditary. Identifiers: Orphanet 140162, MedGen C0027672, MeSH D009386, MONDO:0015356.
Lynch syndrome 5 (LYNCH5). Also called: Colorectal cancer, hereditary nonpolyposis, type 5; Hereditary non-polyposis colorectal cancer, type 5. Identifiers: Orphanet 144, MedGen C1833477, MONDO:0013710, OMIM 614350. Disease mechanism: loss of function.

Allele frequency attached by ClinVar (database versions not stated): TOPMed 0.00001.
gnomAD v4.1: 2 of 1,614,134 alleles (0.00012%); highest among the groups gnomAD compares: Non-Finnish European, 0.00017%; no homozygotes.

Submissions (6):

Color Diagnostics, LLC DBA Color Health
Classification: Uncertain significance for Hereditary cancer-predisposing syndrome. Last evaluated: 2025-11-06. Review status: criteria provided, single submitter. Criteria: ACMG Guidelines, 2015. Collection method: clinical testing. Allele origin: germline.
Comment: This missense variant replaces serine with threonine at codon 1067 of the MSH6 protein. Computational prediction suggests that this variant may have deleterious impact on protein structure and function. To our knowledge, functional studies have not been reported for this variant. This variant has not been reported in individuals affected with MSH6-related disorders in the literature. This variant has been identified in 2/1614134 chromosomes in the general population by the Genome Aggregation Database (gnomAD). The available evidence is insufficient to determine the role of this variant in disease conclusively. Therefore, this variant is classified as a Variant of Uncertain Significance.

Ambry Genetics
Classification: Uncertain significance for Hereditary cancer-predisposing syndrome. Last evaluated: 2025-09-27. Review status: criteria provided, single submitter. Criteria: Ambry Variant Classification Scheme 2023. Collection method: clinical testing. Allele origin: germline.
Comment: The p.S1067T variant (also known as c.3200G>C), located in coding exon 5 of the MSH6 gene, results from a G to C substitution at nucleotide position 3200. The serine at codon 1067 is replaced by threonine, an amino acid with similar properties. This amino acid position is highly conserved in available vertebrate species. In addition, this alteration is predicted to be deleterious by in silico analysis. Since supporting evidence is limited at this time, the clinical significance of this alteration remains unclear.

Labcorp Genetics (formerly Invitae), Labcorp
Classification: Uncertain significance for Hereditary nonpolyposis colorectal neoplasms. Last evaluated: 2025-05-15. Review status: criteria provided, single submitter. Criteria: Invitae Variant Classification Sherloc (09022015). Collection method: clinical testing. Allele origin: germline.
Comment: This sequence change replaces serine, which is neutral and polar, with threonine, which is neutral and polar, at codon 1067 of the MSH6 protein (p.Ser1067Thr). This variant is not present in population databases (gnomAD no frequency). This variant has not been reported in the literature in individuals affected with MSH6-related conditions. ClinVar contains an entry for this variant (Variation ID: 182644). Invitae Evidence Modeling of protein sequence and biophysical properties (such as structural, functional, and spatial information, amino acid conservation, physicochemical variation, residue mobility, and thermodynamic stability) has been performed for this missense variant. However, the output from this modeling did not meet the statistical confidence thresholds required to predict the impact of this variant on MSH6 protein function. In summary, the available evidence is currently insufficient to determine the role of this variant in disease. Therefore, it has been classified as a Variant of Uncertain Significance.

GeneDx
Classification: Uncertain significance. Last evaluated: 2023-07-25. Review status: criteria provided, single submitter. Criteria: GeneDx Variant Classification Process June 2021. Collection method: clinical testing. Allele origin: germline. Affected: yes.
Comment: Not observed at significant frequency in large population cohorts (gnomAD); In silico analysis supports that this missense variant does not alter protein structure/function; Has not been previously published as pathogenic or benign to our knowledge; This variant is associated with the following publications: (PMID: 17531815, 21120944)

Myriad Genetics, Inc.
Classification: Uncertain significance for Lynch syndrome 5. Last evaluated: 2023-03-29. Review status: criteria provided, single submitter. Criteria: Myriad Autosomal Dominant, Autosomal Recessive and X-Linked Classification Criteria (2023). Collection method: clinical testing. Allele origin: unknown.
Comment: This variant is classified as a variant of uncertain significance as there is insufficient evidence to determine its impact on protein function and/or cancer risk.

Counsyl
Classification: Uncertain significance for Lynch syndrome 5. Last evaluated: 2018-02-09. Review status: no assertion criteria provided. Collection method: clinical testing. Allele origin: unknown. Not counted in ClinVar's aggregate classification.

Literature cited by the submitters: PubMed 26333163 (cited by Counsyl).

NM_000179.3(MSH6):c.3200G>C (p.Ser1067Thr)

Gene: MSH6 (mutS homolog 6; plus strand). Cytogenetic location: 2p16.3.
Variant type: single nucleotide variant.
Coding change: c.3200G>C on transcript NM_000179.3 (MANE Select); coding-DNA position 3200, G replaced by C.
Protein change: p.Ser1067Thr; replaces serine 1067 with threonine.
Molecular consequence: missense variant.
Genome position (GRCh38, 1-based): chr2:47,803,447, G>C. VCF-style: chr2-47803447-G-C. GRCh37 (hg19) VCF-style: chr2-48030586-G-C.
Other names: p.S1067T:AGT>ACT; c.2810G>C, p.Ser937Thr (NM_001281492.2); c.2294G>C, p.Ser765Thr (NM_001281493.2, NM_001281494.2); short protein forms S1067T, S765T, S937T.
Identifiers: ClinVar variation 182644 (VCV000182644.24), dbSNP rs730881803, ClinGen allele CA011898.